The following is an entry in ClinVar:

NM_001394062.1(MACF1):c.4984A>C (p.Ser1662Arg)

Gene: MACF1 (microtubule actin crosslinking factor 1; plus strand). Cytogenetic location: 1p34.3.
Variant type: single nucleotide variant.
Coding change: c.4984A>C on transcript NM_001394062.1 (MANE Select); coding-DNA position 4984, A replaced by C.
Protein change: p.Ser1662Arg; replaces serine 1662 with arginine.
Molecular consequence: missense variant. On other transcripts: intron variant (1).
Genome position (GRCh38, 1-based): chr1:39,331,572, A>C. VCF-style: chr1-39331572-A-C. GRCh37 (hg19) VCF-style: chr1-39797244-A-C.
Other names: c.4629+4219A>C (NM_012090.5); short protein forms S1662R.
Identifiers: ClinVar variation 2638696 (VCV002638696.24), dbSNP rs146019856, ClinGen allele CA780395.
Genomic context (GRCh38, chr1:39,331,572, plus strand): 5'-ATAATCAGTGAGACAGTTGGACTGAAAATCTTAGAAGCTCACCTGGCAACTGGAGGTTTC[A>C]GTCTTTCCCCTAGTGAGAACTGTATTAACCTGGAAGAGGCTTTTCATCAAGGCCTCATTT-3'
Protein context (NP_001380991.1, residues 1652-1672): LEAHLATGGF[Ser1662Arg]LSPSENCINL

ClinVar aggregate classification (germline): Likely benign (1 of 4 stars; one submission).

Allele frequency attached by ClinVar (database versions not stated): 1000 Genomes Project 30x 0.00031; 1000 Genomes Project 0.00040; ExAC 0.00060; gnomAD 0.00082; TOPMed 0.00090; gnomAD exomes 0.00106; ESP Exome Variant Server 0.00169.
gnomAD v4.1: 1,680 of 1,614,196 alleles (0.1%); highest among the groups gnomAD compares: Non-Finnish European, 0.13%; 1 homozygote.

Submission:

CeGaT Center for Human Genetics Tuebingen
Classification: Likely benign. Last evaluated: 2025-03-01. Review status: criteria provided, single submitter. Criteria: CeGaT Center For Human Genetics Tuebingen Variant Classification Criteria Version 2. Collection method: clinical testing. Allele origin: germline. Affected: yes. Observed: 2 variant alleles.
Comment: MACF1: BS1